The following is an entry in ClinVar:

ClinVar aggregate classification (germline): Likely benign. Review status: criteria provided, multiple submitters, no conflicts (2 of 4 stars). 2 submissions from 2 submitters: Likely benign (2). Last evaluated 2025-08-01.

Conditions:
Wilms tumor 1 (WT1). Also called: Wilms tumor, somatic. Identifiers: Orphanet 654, MedGen CN033288, MONDO:0008679, OMIM 194070.

Submissions (2):

CeGaT Center for Human Genetics Tuebingen
Classification: Likely benign. Last evaluated: 2025-08-01. Review status: criteria provided, single submitter. Criteria: CeGaT Center For Human Genetics Tuebingen Variant Classification Criteria Version 2. Collection method: clinical testing. Allele origin: germline. Affected: yes. Observed: 1 variant allele.
Comment: GPC3: PM2:Supporting, BP4, BP7

Labcorp Genetics (formerly Invitae), Labcorp
Classification: Likely benign for Wilms tumor 1. Last evaluated: 2024-11-04. Review status: criteria provided, single submitter. Criteria: Invitae Variant Classification Sherloc (09022015). Collection method: clinical testing. Allele origin: germline.

NM_004484.4(GPC3):c.606A>G (p.Arg202=)

Gene: GPC3 (glypican 3; minus strand). Cytogenetic location: Xq26.2.
Variant type: single nucleotide variant.
Coding change: c.606A>G on transcript NM_004484.4 (MANE Select); coding-DNA position 606, A replaced by G.
Protein change: p.Arg202=; no amino-acid change (arginine 202 retained).
Molecular consequence: synonymous variant.
Genome position (GRCh38, 1-based): chrX:133,753,908, T>C on the plus strand (A>G on the coding strand, the complement: GPC3 is on the minus strand). VCF-style: chrX-133753908-T-C. GRCh37 (hg19) VCF-style: chrX-132887935-T-C.
Other names: c.606A>G, p.Arg202= (NM_001164617.2); c.558A>G, p.Arg186= (NM_001164618.2); c.444A>G, p.Arg148= (NM_001164619.2).
Identifiers: ClinVar variation 767514 (VCV000767514.17), dbSNP rs1603240654, ClinGen allele CA518852656.